The following is an entry in ClinVar:

NM_000518.5(HBB):c.79G>T (p.Glu27Ter)

Genes: HBB (hemoglobin subunit beta; minus strand), LOC106099062 (HBB recombination region; plus strand), LOC107133510 (origin of replication at HBB; plus strand). Cytogenetic location: 11p15.4.
Variant type: single nucleotide variant.
Coding change: c.79G>T on transcript NM_000518.5 (MANE Select); coding-DNA position 79, G replaced by T.
Protein change: p.Glu27Ter; replaces glutamic acid 27 with a stop codon.
Molecular consequence: nonsense.
Genome position (GRCh38, 1-based): chr11:5,226,943, C>A on the plus strand (G>T on the coding strand, the complement: HBB is on the minus strand). VCF-style: chr11-5226943-C-A. GRCh37 (hg19) VCF-style: chr11-5248173-C-A.
Other names: CD 26 (GAG>TAG); short protein forms E27*.
Identifiers: ClinVar variation 38650 (VCV000038650.109), dbSNP rs33950507, ClinGen allele CA217115188.

ClinVar aggregate classification (germline): Pathogenic. Review status: criteria provided, multiple submitters, no conflicts (2 of 4 stars). 7 submissions from 7 submitters: Pathogenic (5). 2 of the submissions do not count toward it. Last evaluated 2025-10-17.

Conditions:
Beta-thalassemia HBB/LCRB. Identifiers: MedGen CN322236, MONDO:0013517, OMIM 613985.
beta Thalassemia (BTHAL). Also called: Cooley's anemia; Erythroblastic anemia; Mediterranean anemia. Identifiers: Orphanet 848, MedGen C0005283, MONDO:0019402. Disease mechanism: loss of function.
Hemoglobinopathy. Also called: Hemoglobin disorder; Haemoglobinopathies. Identifiers: MedGen C0019045, MONDO:0044348.

Submissions (7):

Natera, Inc.
Classification: Pathogenic for Beta thalassemia. Last evaluated: 2025-10-17. Review status: criteria provided, single submitter. Criteria: Natera Variant Classification Schema (03/2026). Collection method: clinical testing. Allele origin: germline.
Comment: The c.79G>T variant in HBB is a nonsense variant predicted to introduce a stop codon at amino acid 27. This variant is expected to result in nonsense mediated decay, truncation, or a dysfunctional protein product. This variant is rare in the general population with a frequency below the threshold expected for the associated phenotype(s). This variant has been observed in one or more individuals affected with the associated recessive disease, as either homozygous or compound heterozygous with a second variant (PMID: 28671035). Additionally, this variant has been observed to segregate in affected family members (PMID: 28671035). Given the available evidence, this variant is classified as Pathogenic.

Labcorp Genetics (formerly Invitae), Labcorp
Classification: Pathogenic. Last evaluated: 2024-02-11. Review status: criteria provided, single submitter. Criteria: Invitae Variant Classification Sherloc (09022015). Collection method: clinical testing. Allele origin: germline.
Comment: This sequence change creates a premature translational stop signal (p.Glu27*) in the HBB gene. It is expected to result in an absent or disrupted protein product. Loss-of-function variants in HBB are known to be pathogenic (PMID: 23637309). This variant is not present in population databases (gnomAD no frequency). This premature translational stop signal has been observed in individual(s) with beta thalassemia (PMID: 1974422). This variant is also known as codon 26 GAG>TAG. ClinVar contains an entry for this variant (Variation ID: 38650). Algorithms developed to predict the effect of sequence changes on RNA splicing suggest that this variant may disrupt the consensus splice site. For these reasons, this variant has been classified as Pathogenic.

ARUP Laboratories, Molecular Genetics and Genomics, ARUP Laboratories
Classification: Pathogenic. Last evaluated: 2023-08-21. Review status: criteria provided, single submitter. Criteria: ARUP Molecular Germline Variant Investigation Process 2024. Collection method: clinical testing. Allele origin: germline.
Comment: The Codon 26 (G>T) variant (HBB: c.79G>T; p.Glu27Ter, also known as Glu26Ter when numbered from the mature protein, rs33950507, HbVar ID: 808) is reported in an individual with beta thalassemia that also harbored the HbE variant (HbVar database and references therein). The p.Glu27Ter variant is absent from the Genome Aggregation Database, indicating it is not a common polymorphism. This variant induces an early termination codon and is predicted to result in a truncated protein or mRNA subject to nonsense-mediated decay. Consistent with predictions, functional studies demonstrate an absence of beta globin protein and mRNA in cells expressing this variant (Neu-Yilik 2011). Based on available information, this variant is considered to be pathogenic. References: HbVar database link: Neu-Yilik G et al. Mechanism of escape from nonsense-mediated mRNA decay of human beta-globin transcripts with nonsense mutations in the first exon. RNA. 2011 May;17(5):843-54. PMID: 21389146.

Women's Health and Genetics/Laboratory Corporation of America, LabCorp
Classification: Pathogenic for Hemoglobinopathy. Last evaluated: 2017-12-14. Review status: criteria provided, single submitter. Criteria: LabCorp Variant Classification Summary - May 2015. Collection method: clinical testing. Allele origin: germline.
Comment: Variant summary: The HBB c.79G>T (p.Glu27X, also known as CD26 G>T) variant results in a premature termination codon, predicted to cause a truncated or absent HBB protein due to nonsense mediated decay, which are commonly known mechanisms for disease. Truncations downstream of this position have been classified as pathogenic by our laboratory (e.g. c.85dupC/p.Leu29fsX16, c.110delC/p.Pro37fsX25, etc.). One in silico tool predicts a damaging outcome for this variant. This variant is absent in 277088 control chromosomes. It has been reported in multiple affected individuals. Variant involving the same neucleotide c.79G>A/p.Glu27Lys is a common HbE variant and the region around codon 26 has been suggested as mutation hotspot(Fucharoen_1990). In addition, multiple clinical diagnostic laboratories/reputable databases classified this variant as pathogenic. Taken together, this variant is classified as pathogenic.

Quest Diagnostics Nichols Institute San Juan Capistrano
Classification: Pathogenic. Last evaluated: 2017-06-30. Review status: criteria provided, single submitter. Criteria: Quest Diagnostics criteria. Collection method: clinical testing. Allele origin: germline.

The ITHANET community portal, The Cyprus Institute of Neurology and Genetics
Classification: Pathogenic for beta Thalassemia. Last evaluated: 2019-11-25. Review status: no assertion criteria provided. Collection method: curation. Allele origin: germline. Not counted in ClinVar's aggregate classification.

Counsyl
Classification: Pathogenic for Beta-thalassemia HBB/LCRB. Last evaluated: 2018-06-04. Review status: no assertion criteria provided. Collection method: clinical testing. Allele origin: unknown. Not counted in ClinVar's aggregate classification.

Literature cited by the submitters: PubMed 28671035 (cited by Natera, Inc. and Counsyl); PubMed 23637309 (cited by Labcorp Genetics (formerly Invitae), Labcorp); PubMed 1974422 (cited by 5 submitters); PubMed 18294253 (cited by Women's Health and Genetics/Laboratory Corporation of America, LabCorp); PubMed 19254853 (cited by Women's Health and Genetics/Laboratory Corporation of America, LabCorp); PubMed 21119755 (cited by Women's Health and Genetics/Laboratory Corporation of America, LabCorp); PubMed 12709369 (cited by Women's Health and Genetics/Laboratory Corporation of America, LabCorp); PubMed 21389146 (cited by Women's Health and Genetics/Laboratory Corporation of America, LabCorp and Counsyl); PubMed 16987801 (cited by Women's Health and Genetics/Laboratory Corporation of America, LabCorp); PubMed 23590330 (cited by Quest Diagnostics Nichols Institute San Juan Capistrano); PubMed 22675570 (cited by Counsyl).